The following is an entry in ClinVar:

ClinVar aggregate classification (germline): Uncertain significance. Review status: criteria provided, multiple submitters, no conflicts (2 of 4 stars). 2 submissions from 2 submitters: Uncertain significance (2). Last evaluated 2025-02-03.

Conditions:
Hereditary nonpolyposis colorectal neoplasms. Identifiers: MedGen C0009405, MeSH D003123.
Hereditary cancer-predisposing syndrome. Also called: Neoplastic Syndromes, Hereditary; Tumor predisposition; Hereditary Cancer Syndrome; Hereditary neoplastic syndrome. Identifiers: Orphanet 140162, MedGen C0027672, MeSH D009386, MONDO:0015356.

gnomAD v4.1: 1 of 1,614,168 alleles (0.000062%); highest among the groups gnomAD compares: Non-Finnish European, 0.000085%; no homozygotes.

Submissions (2):

Labcorp Genetics (formerly Invitae), Labcorp
Classification: Uncertain significance for Hereditary nonpolyposis colorectal neoplasms. Last evaluated: 2025-02-03. Review status: criteria provided, single submitter. Criteria: Invitae Variant Classification Sherloc (09022015). Collection method: clinical testing. Allele origin: germline.
Comment: This sequence change replaces aspartic acid, which is acidic and polar, with histidine, which is basic and polar, at codon 186 of the MSH6 protein (p.Asp186His). This variant is not present in population databases (gnomAD no frequency). This variant has not been reported in the literature in individuals affected with MSH6-related conditions. ClinVar contains an entry for this variant (Variation ID: 923115). Invitae Evidence Modeling of protein sequence and biophysical properties (such as structural, functional, and spatial information, amino acid conservation, physicochemical variation, residue mobility, and thermodynamic stability) indicates that this missense variant is not expected to disrupt MSH6 protein function with a negative predictive value of 95%. In summary, the available evidence is currently insufficient to determine the role of this variant in disease. Therefore, it has been classified as a Variant of Uncertain Significance.

Color Diagnostics, LLC DBA Color Health
Classification: Uncertain significance for Hereditary cancer-predisposing syndrome. Last evaluated: 2024-03-06. Review status: criteria provided, single submitter. Criteria: ACMG Guidelines, 2015. Collection method: clinical testing. Allele origin: germline.
Comment: This missense variant replaces aspartic acid with histidine at codon 186 of the MSH6 protein. Computational prediction is inconclusive regarding the impact of this variant on protein structure and function (internally defined REVEL score threshold 0.5 < inconclusive < 0.7, PMID: 27666373). To our knowledge, functional studies have not been reported for this variant. This variant has not been reported in individuals affected with hereditary cancer in the literature. This variant has not been identified in the general population by the Genome Aggregation Database (gnomAD). The available evidence is insufficient to determine the role of this variant in disease conclusively. Therefore, this variant is classified as a Variant of Uncertain Significance.

NM_000179.3(MSH6):c.556G>C (p.Asp186His)

Gene: MSH6 (mutS homolog 6; plus strand). Cytogenetic location: 2p16.3.
Variant type: single nucleotide variant.
Coding change: c.556G>C on transcript NM_000179.3 (MANE Select); coding-DNA position 556, G replaced by C.
Protein change: p.Asp186His; replaces aspartic acid 186 with histidine.
Molecular consequence: missense variant. On other transcripts: 5 prime UTR variant (1), intron variant (2).
Genome position (GRCh38, 1-based): chr2:47,795,992, G>C. VCF-style: chr2-47795992-G-C. GRCh37 (hg19) VCF-style: chr2-48023131-G-C.
Other names: c.-347G>C (NM_001281494.2); c.-279-2619G>C (NM_001281493.2); c.238-2619G>C (NM_001281492.2); short protein forms D186H.
Identifiers: ClinVar variation 923115 (VCV000923115.7), dbSNP rs1212607928, ClinGen allele CA346738759.